The following is an entry in ClinVar:

ClinVar aggregate classification (germline): Pathogenic (1 of 4 stars; one submission).

Submission:

Labcorp Genetics (formerly Invitae), Labcorp
Classification: Pathogenic. Last evaluated: 2025-11-27. Review status: criteria provided, single submitter. Criteria: Invitae Variant Classification Sherloc (09022015). Collection method: clinical testing. Allele origin: germline.
Comment: This sequence change creates a premature translational stop signal (p.Arg683Alafs*15) in the GGCX gene. While this is not anticipated to result in nonsense mediated decay, it is expected to disrupt the last 76 amino acid(s) of the GGCX protein. This variant is not present in population databases (gnomAD no frequency). This variant has not been reported in the literature in individuals affected with GGCX-related conditions. This variant disrupts a region of the GGCX protein in which other variant(s) (p.Arg704*) have been determined to be pathogenic (PMID: 25151188, 28125048, 33507293). This suggests that this is a clinically significant region of the protein, and that variants that disrupt it are likely to be disease-causing. For these reasons, this variant has been classified as Pathogenic.

Literature cited by the submitters: PubMed 25151188; PubMed 28125048; PubMed 33507293.

NM_000821.7(GGCX):c.2047del (p.Arg683fs)

Gene: GGCX (gamma-glutamyl carboxylase; minus strand). Cytogenetic location: 2p11.2.
Variant type: Deletion.
Coding change: c.2047del on transcript NM_000821.7 (MANE Select); coding-DNA position 2047, one base deleted (C; older notation c.2047delC).
Protein change: p.Arg683fs; shifts the reading frame from arginine 683.
Molecular consequence: frameshift variant.
Genome position (GRCh38, 1-based): chr2:85,550,592, G deleted on the plus strand (C on the coding strand, the reverse complement: GGCX is on the minus strand); the first of 2 consecutive G bases (chr2:85,550,592-85,550,593); deleting either gives the same sequence. VCF-style (leftmost placement, unchanged base first): chr2-85550591-CG-C. GRCh37 (hg19) VCF-style: chr2-85777714-CG-C.
Other names: c.1876del, p.Arg626fs (NM_001142269.4); short protein forms R626fs, R683fs.
Identifiers: ClinVar variation 4732064 (VCV004732064.1).